The following is an entry in ClinVar:

NM_001754.5(RUNX1):c.1082C>T (p.Thr361Ile)

Gene: RUNX1 (RUNX family transcription factor 1; minus strand). Cytogenetic location: 21q22.12.
Variant type: single nucleotide variant.
Coding change: c.1082C>T on transcript NM_001754.5 (MANE Select); coding-DNA position 1082, C replaced by T.
Protein change: p.Thr361Ile; replaces threonine 361 with isoleucine.
Molecular consequence: missense variant.
Genome position (GRCh38, 1-based): chr21:34,792,496, G>A on the plus strand (C>T on the coding strand, the complement: RUNX1 is on the minus strand). VCF-style: chr21-34792496-G-A. GRCh37 (hg19) VCF-style: chr21-36164793-G-A.
Other names: NM_001754.5(RUNX1):c.1082C>T; p.Thr361Ile; c.1082C>T (NM_001754.4); c.1001C>T, p.Thr334Ile (NM_001001890.3); short protein forms T334I, T361I.
Identifiers: ClinVar variation 1006857 (VCV001006857.8), dbSNP rs1017287894, ClinGen allele CA320251539.

ClinVar aggregate classification (germline): Uncertain significance. Review status: reviewed by expert panel (3 of 4 stars). 3 submissions from 3 submitters: Uncertain significance (1). 2 of the submissions do not count toward it. Last evaluated 2024-09-12.

Conditions:
Hereditary thrombocytopenia and hematologic cancer predisposition syndrome. Identifiers: Orphanet 71290, MedGen CN281654, MONDO:0011071.
Inborn genetic diseases. Identifiers: MedGen C0950123, MeSH D030342.
Hereditary thrombocytopenia and hematological cancer predisposition syndrome associated with RUNX1. Also called: Familial thrombocytopenia with propensity to acute myelogenous leukemia; PLATELET DISORDER, ASPIRIN-LIKE; RUNX1 Familial Platelet Disorder with Associated Myeloid Malignancies; Familial Platelet Disorder with Propensity to Acute Myelogenous Leukemia. Identifiers: Orphanet 71290, MedGen C1832388, MeSH C563324, MONDO:0100083, OMIM 601399.

gnomAD v4.1: 2 of 1,596,838 alleles (0.00013%); highest among the groups gnomAD compares: Non-Finnish European, 0.00017%; no homozygotes.

Submissions (3):

ClinGen Myeloid Malignancy Variant Curation Expert Panel
Classification: Uncertain significance for Hereditary thrombocytopenia and hematologic cancer predisposition syndrome. Last evaluated: 2024-09-12. Review status: reviewed by expert panel. Criteria: ClinGen MyeloMalig ACMG Specifications v2. Collection method: curation. Allele origin: germline. Inheritance: Autosomal dominant inheritance.
Comment: NM_001754.5(RUNX1):c.1082C>T (p.Thr361Ile) is a missense variant which has a REVEL score < 0.50 (0.277) and a SpliceAI score ≤ 0.20 (0.00) (BP4). In summary, the clinical significance of this variant is uncertain. ACMG/AMP criteria applied, as specified by the Myeloid Malignancy Variant Curation Expert Panel for RUNX1: BP4.

Labcorp Genetics (formerly Invitae), Labcorp
Classification: Uncertain significance for Hereditary thrombocytopenia and hematological cancer predisposition syndrome associated with RUNX1. Last evaluated: 2025-11-17. Review status: criteria provided, single submitter. Criteria: Invitae Variant Classification Sherloc (09022015). Collection method: clinical testing. Allele origin: germline. Not counted in ClinVar's aggregate classification.
Comment: This sequence change replaces threonine, which is neutral and polar, with isoleucine, which is neutral and non-polar, at codon 361 of the RUNX1 protein (p.Thr361Ile). This variant is not present in population databases (gnomAD no frequency). This variant has not been reported in the literature in individuals affected with RUNX1-related conditions. ClinVar contains an entry for this variant (Variation ID: 1006857). Invitae Evidence Modeling of protein sequence and biophysical properties (such as structural, functional, and spatial information, amino acid conservation, physicochemical variation, residue mobility, and thermodynamic stability) has been performed for this missense variant. However, the output from this modeling did not meet the statistical confidence thresholds required to predict the impact of this variant on RUNX1 protein function. In summary, the available evidence is currently insufficient to determine the role of this variant in disease. Therefore, it has been classified as a Variant of Uncertain Significance.

Ambry Genetics
Classification: Uncertain significance for Inborn genetic diseases. Last evaluated: 2025-03-30. Review status: criteria provided, single submitter. Criteria: Ambry Variant Classification Scheme 2023. Collection method: clinical testing. Allele origin: germline. Not counted in ClinVar's aggregate classification.
Comment: The p.T361I variant (also known as c.1082C>T), located in coding exon 8 of the RUNX1 gene, results from a C to T substitution at nucleotide position 1082. The threonine at codon 361 is replaced by isoleucine, an amino acid with similar properties. This amino acid position is conserved. In addition, this alteration is predicted to be tolerated by in silico analysis. Based on the available evidence, the clinical significance of this variant remains unclear.